The following is an entry in ClinVar:

ClinVar aggregate classification (germline): Uncertain significance (1 of 4 stars; one submission).

Conditions:
Infantile spasms. Also called: Infantile spasm. Identifiers: MedGen C3887898, HP:0012469.

Allele frequency attached by ClinVar (database versions not stated): gnomAD exomes below 0.00001.
gnomAD v4.1: 1 of 1,614,058 alleles (0.000062%); highest among the groups gnomAD compares: Admixed American, 0.0017%; no homozygotes.

Submission:

Labcorp Genetics (formerly Invitae), Labcorp
Classification: Uncertain significance for Infantile spasms. Last evaluated: 2022-07-11. Review status: criteria provided, single submitter. Criteria: Invitae Variant Classification Sherloc (09022015). Collection method: clinical testing. Allele origin: germline.
Comment: In summary, the available evidence is currently insufficient to determine the role of this variant in disease. Therefore, it has been classified as a Variant of Uncertain Significance. Algorithms developed to predict the effect of missense changes on protein structure and function are either unavailable or do not agree on the potential impact of this missense change (SIFT: "Tolerated"; PolyPhen-2: "Probably Damaging"; Align-GVGD: "Class C0"). ClinVar contains an entry for this variant (Variation ID: 1000334). This variant has not been reported in the literature in individuals affected with PIK3AP1-related conditions. This variant is present in population databases (no rsID available, gnomAD 0.003%). This sequence change replaces alanine, which is neutral and non-polar, with serine, which is neutral and polar, at codon 236 of the PIK3AP1 protein (p.Ala236Ser).

NM_152309.3(PIK3AP1):c.706G>T (p.Ala236Ser)

Gene: PIK3AP1 (phosphoinositide-3-kinase adaptor protein 1; minus strand). Cytogenetic location: 10q24.1.
Variant type: single nucleotide variant.
Coding change: c.706G>T on transcript NM_152309.3 (MANE Select); coding-DNA position 706, G replaced by T.
Protein change: p.Ala236Ser; replaces alanine 236 with serine.
Molecular consequence: missense variant.
Genome position (GRCh38, 1-based): chr10:96,652,704, C>A on the plus strand (G>T on the coding strand, the complement: PIK3AP1 is on the minus strand). VCF-style: chr10-96652704-C-A. GRCh37 (hg19) VCF-style: chr10-98412461-C-A.
Other names: short protein forms A236S.
Identifiers: ClinVar variation 1000334 (VCV001000334.6), dbSNP rs1307133908, ClinGen allele CA377747527.